The following is an entry in ClinVar:

ClinVar aggregate classification (germline): Uncertain significance. Review status: criteria provided, multiple submitters, no conflicts (2 of 4 stars). 3 submissions from 3 submitters: Uncertain significance (3). Last evaluated 2025-09-05.

Conditions:
Inborn genetic diseases. Identifiers: MedGen C0950123, MeSH D030342.

gnomAD v4.1: 16 of 1,516,318 alleles (0.0011%); highest among the groups gnomAD compares: South Asian, 0.019%; 1 homozygote.

Submissions (3):

Ambry Genetics
Classification: Uncertain significance for Inborn genetic diseases. Last evaluated: 2025-09-05. Review status: criteria provided, single submitter. Criteria: Ambry Variant Classification Scheme 2023. Collection method: clinical testing. Allele origin: germline.

Labcorp Genetics (formerly Invitae), Labcorp
Classification: Uncertain significance. Last evaluated: 2025-07-13. Review status: criteria provided, single submitter. Criteria: Invitae Variant Classification Sherloc (09022015). Collection method: clinical testing. Allele origin: germline.
Comment: This sequence change replaces glycine, which is neutral and non-polar, with serine, which is neutral and polar, at codon 68 of the C1QTNF5 protein (p.Gly68Ser). This variant is present in population databases (rs747438489, gnomAD 0.02%). This variant has not been reported in the literature in individuals affected with C1QTNF5-related conditions. An algorithm developed to predict the effect of missense changes on protein structure and function (PolyPhen-2) suggests that this variant is likely to be tolerated. In summary, the available evidence is currently insufficient to determine the role of this variant in disease. Therefore, it has been classified as a Variant of Uncertain Significance.

Blueprint Genetics
Classification: Uncertain significance. Last evaluated: 2019-06-29. Review status: criteria provided, single submitter. Criteria: ACMG Guidelines, 2015. Collection method: clinical testing. Allele origin: germline.

NM_001278431.2(C1QTNF5):c.202G>A (p.Gly68Ser)

Genes: C1QTNF5 (C1q and TNF related 5; minus strand), MFRP (membrane frizzled-related protein; minus strand). Cytogenetic location: 11q23.3.
Variant type: single nucleotide variant.
Coding change: c.202G>A on transcript NM_001278431.2 (MANE Select); coding-DNA position 202, G replaced by A.
Protein change: p.Gly68Ser; replaces glycine 68 with serine.
Molecular consequence: missense variant. On other transcripts: 3 prime UTR variant (1).
Genome position (GRCh38, 1-based): chr11:119,340,196, C>T on the plus strand (G>A on the coding strand, the complement: C1QTNF5 is on the minus strand). VCF-style: chr11-119340196-C-T. GRCh37 (hg19) VCF-style: chr11-119210906-C-T.
Other names: c.202G>A, p.Gly68Ser (NM_015645.5); c.*1098G>A (NM_031433.4); short protein forms G68S.
Identifiers: ClinVar variation 4217129 (VCV004217129.3).